The following is an entry in ClinVar:

NM_002691.4(POLD1):c.842C>T (p.Ala281Val)

Gene: POLD1 (DNA polymerase delta 1, catalytic subunit; plus strand). Cytogenetic location: 19q13.33.
Variant type: single nucleotide variant.
Coding change: c.842C>T on transcript NM_002691.4 (MANE Select); coding-DNA position 842, C replaced by T.
Protein change: p.Ala281Val; replaces alanine 281 with valine.
Molecular consequence: missense variant. On other transcripts: non-coding transcript variant (1).
Genome position (GRCh38, 1-based): chr19:50,402,613, C>T. VCF-style: chr19-50402613-C-T. GRCh37 (hg19) VCF-style: chr19-50905870-C-T.
Other names: c.842C>T, p.Ala281Val (NM_001256849.1, NM_001308632.1); short protein forms A281V.
Identifiers: ClinVar variation 2490892 (VCV002490892.3), dbSNP rs2038695860, ClinGen allele CA406976611.

ClinVar aggregate classification (germline): Uncertain significance (1 of 4 stars; one submission).

Conditions:
Hereditary cancer-predisposing syndrome. Also called: Neoplastic Syndromes, Hereditary; Hereditary neoplastic syndrome; Tumor predisposition; Hereditary Cancer Syndrome. Identifiers: Orphanet 140162, MedGen C0027672, MeSH D009386, MONDO:0015356.

Allele frequency attached by ClinVar (database versions not stated): gnomAD 0.00001.
gnomAD v4.1: 1 of 1,571,310 alleles (0.000064%); highest among the groups gnomAD compares: Non-Finnish European, 0.000086%; no homozygotes.

Submission:

Ambry Genetics
Classification: Uncertain significance for Hereditary cancer-predisposing syndrome. Last evaluated: 2024-06-26. Review status: criteria provided, single submitter. Criteria: Ambry Variant Classification Scheme 2023. Collection method: clinical testing. Allele origin: germline.
Comment: The p.A281V variant (also known as c.842C>T), located in coding exon 7 of the POLD1 gene, results from a C to T substitution at nucleotide position 842. The alanine at codon 281 is replaced by valine, an amino acid with similar properties. This amino acid position is conserved. In addition, this alteration is predicted to be tolerated by in silico analysis. Based on the available evidence, the clinical significance of this variant remains unclear.